The following is an entry in ClinVar:

ClinVar aggregate classification (germline): Benign/Likely benign. Review status: criteria provided, multiple submitters, no conflicts (2 of 4 stars). 6 submissions from 6 submitters: Benign (1); Likely benign (5). Last evaluated 2026-01-19.

Conditions:
Renal cell carcinoma. Identifiers: Orphanet 217071, MedGen C0007134, MeSH D002292, MONDO:0005086, HP:0005584.
Hereditary cancer-predisposing syndrome. Also called: Tumor predisposition; Hereditary neoplastic syndrome; Hereditary Cancer Syndrome; Neoplastic Syndromes, Hereditary. Identifiers: Orphanet 140162, MedGen C0027672, MeSH D009386, MONDO:0015356.
Papillary renal cell carcinoma type 1 (RCCP1). Also called: Renal adenocarcinoma; Renal cell carcinoma 1; Renal cell carcinoma, somatic; RENAL CELL CARCINOMA, PAPILLARY, 1, SOMATIC. Identifiers: Orphanet 47044, MedGen C1336839, OMIM 605074, HP:0011797.

Allele frequency attached by ClinVar (database versions not stated): ExAC 0.00003; gnomAD 0.00003 and 0.00004; gnomAD exomes 0.00004; TOPMed 0.00004.
gnomAD v4.1: 100 of 1,613,822 alleles (0.0062%); highest among the groups gnomAD compares: East Asian, 0.13%; no homozygotes.

Submissions (6):

Labcorp Genetics (formerly Invitae), Labcorp
Classification: Likely benign for Renal cell carcinoma. Last evaluated: 2026-01-19. Review status: criteria provided, single submitter. Criteria: Invitae Variant Classification Sherloc (09022015). Collection method: clinical testing. Allele origin: germline.

CeGaT Center for Human Genetics Tuebingen
Classification: Likely benign. Last evaluated: 2025-04-01. Review status: criteria provided, single submitter. Criteria: CeGaT Center For Human Genetics Tuebingen Variant Classification Criteria Version 2. Collection method: clinical testing. Allele origin: germline. Affected: yes. Observed: 1 variant allele.
Comment: MET: BP4, BP7

Myriad Genetics, Inc.
Classification: Benign for Papillary renal cell carcinoma type 1. Last evaluated: 2024-11-15. Review status: criteria provided, single submitter. Criteria: Myriad Autosomal Dominant, Autosomal Recessive and X-Linked Classification Criteria (2023). Collection method: clinical testing. Allele origin: unknown.
Comment: This variant is considered benign. This variant is a silent/synonymous amino acid change and it is not expected to impact splicing.

Blueprint Genetics
Classification: Likely benign. Last evaluated: 2023-10-18. Review status: criteria provided, single submitter. Criteria: ACMG Guidelines, 2015. Collection method: clinical testing. Allele origin: germline.

Sema4
Classification: Likely benign for Hereditary cancer-predisposing syndrome. Last evaluated: 2021-07-14. Review status: criteria provided, single submitter. Criteria: Sema4 Curation Guidelines. Collection method: curation. Allele origin: germline.

Ambry Genetics
Classification: Likely benign for Hereditary cancer-predisposing syndrome. Last evaluated: 2015-01-02. Review status: criteria provided, single submitter. Criteria: Ambry Variant Classification Scheme 2023. Collection method: clinical testing. Allele origin: germline.

NM_000245.4(MET):c.4086C>T (p.Val1362=)

Gene: MET (MET proto-oncogene, receptor tyrosine kinase; plus strand). Cytogenetic location: 7q31.2.
Variant type: single nucleotide variant.
Coding change: c.4086C>T on transcript NM_000245.4 (MANE Select); coding-DNA position 4086, C replaced by T.
Protein change: p.Val1362=; no amino-acid change (valine 1362 retained).
Molecular consequence: synonymous variant.
Genome position (GRCh38, 1-based): chr7:116,796,037, C>T. VCF-style: chr7-116796037-C-T. GRCh37 (hg19) VCF-style: chr7-116436091-C-T.
Other names: c.4140C>T (LRG_662t1); c.4140C>T, p.Val1380= (NM_001127500.3); c.2796C>T, p.Val932= (NM_001324402.2).
Identifiers: ClinVar variation 416946 (VCV000416946.27), dbSNP rs753757242, ClinGen allele CA4448825.